The following is an entry in ClinVar:

ClinVar aggregate classification (germline): Uncertain significance (1 of 4 stars; one submission).

Submission:

Ambry Genetics
Classification: Uncertain significance. Last evaluated: 2022-02-13. Review status: criteria provided, single submitter. Criteria: Ambry Variant Classification Scheme 2023. Collection method: clinical testing. Allele origin: germline.
Comment: The p.L394S variant (also known as c.1181T>C), located in coding exon 8 of the POLQ gene, results from a T to C substitution at nucleotide position 1181. The leucine at codon 394 is replaced by serine, an amino acid with dissimilar properties. This amino acid position is conserved. In addition, the in silico prediction for this alteration is inconclusive. Since supporting evidence is limited at this time, the clinical significance of this alteration remains unclear.

NM_199420.4(POLQ):c.1181T>C (p.Leu394Ser)

Gene: POLQ (DNA polymerase theta; minus strand). Cytogenetic location: 3q13.33.
Variant type: single nucleotide variant.
Coding change: c.1181T>C on transcript NM_199420.4 (MANE Select); coding-DNA position 1181, T replaced by C.
Protein change: p.Leu394Ser; replaces leucine 394 with serine.
Molecular consequence: missense variant.
Genome position (GRCh38, 1-based): chr3:121,522,077, A>G on the plus strand (T>C on the coding strand, the complement: POLQ is on the minus strand). VCF-style: chr3-121522077-A-G. GRCh37 (hg19) VCF-style: chr3-121240924-A-G.
Other names: short protein forms L394S.
Identifiers: ClinVar variation 1742370 (VCV001742370.2), dbSNP rs2546811694, ClinGen allele CA354121712.